The following is an entry in ClinVar:

ClinVar aggregate classification (germline): Uncertain significance (1 of 4 stars; one submission).

gnomAD v4.1: 36 of 1,075,910 alleles (0.0033%); highest among the groups gnomAD compares: Non-Finnish European, 0.0045%; no homozygotes.

Submission:

Athena Diagnostics
Classification: Uncertain significance. Last evaluated: 2025-01-20. Review status: criteria provided, single submitter. Criteria: Athena Diagnostics Criteria. Collection method: clinical testing. Allele origin: unknown.
Comment: Available data are insufficient to determine the clinical significance of the variant at this time. The frequency of this variant in the general population is uninformative in assessment of its pathogenicity. Polyphen and MutationTaster predict this amino acid change may be benign.

NM_001009944.3(PKD1):c.2227C>T (p.Leu743Phe)

Gene: PKD1 (polycystin 1, transient receptor potential channel interacting; minus strand). Cytogenetic location: 16p13.3.
Variant type: single nucleotide variant.
Coding change: c.2227C>T on transcript NM_001009944.3 (MANE Select); coding-DNA position 2227, C replaced by T.
Protein change: p.Leu743Phe; replaces leucine 743 with phenylalanine.
Molecular consequence: missense variant.
Genome position (GRCh38, 1-based): chr16:2,114,796, G>A on the plus strand (C>T on the coding strand, the complement: PKD1 is on the minus strand). VCF-style: chr16-2114796-G-A. GRCh37 (hg19) VCF-style: chr16-2164797-G-A.
Other names: c.2227C>T, p.Leu743Phe (NM_000296.4); short protein forms L743F.
Identifiers: ClinVar variation 4682250 (VCV004682250.1).
Genomic context (GRCh38, chr16:2,114,796, plus strand): 5'-CCCAAGTGCCCTCCAGCTGGGCTGGCAAGTGGGGCAGCCATGACGAGGCGTTGGCGGAGA[G>A]GTACGGGGCCCGGGGACCAGGGTGGCCGGGAGCCGGCGAGCAGTGCAGGAGGGCGCCAGG-3'
Protein context (NP_001009944.3, residues 733-753): PGHPGPRAPY[Leu743Phe]SANASSWLPH